The following is an entry in ClinVar:

ClinVar aggregate classification (germline): Pathogenic. Review status: criteria provided, single submitter (1 of 4 stars). 2 submissions from 2 submitters: Pathogenic (1). 1 of the submissions does not count toward it. Last evaluated 2024-03-11.

Conditions:
Ehlers-Danlos syndrome, type 4 (EDSVASC). Also called: Ehlers-Danlos syndrome vascular type; Ehlers Danlos syndrome, ecchymotic type; Ehlers Danlos syndrome, arterial type; Ehlers Danlos syndrome, Sack-Barabas type; Ehlers-Danlos Syndrome Type IV. Identifiers: Orphanet 286, MedGen C0268338, MONDO:0017314, OMIM 130050.

Allele frequency attached by ClinVar (database versions not stated): TOPMed below 0.00001.

Submissions (2):

Labcorp Genetics (formerly Invitae), Labcorp
Classification: Pathogenic for Ehlers-Danlos syndrome, type 4. Last evaluated: 2024-03-11. Review status: criteria provided, single submitter. Criteria: Invitae Variant Classification Sherloc (09022015). Collection method: clinical testing. Allele origin: germline.
Comment: This sequence change falls in intron 44 of the COL3A1 gene. It does not directly change the encoded amino acid sequence of the COL3A1 protein. This variant is not present in population databases (gnomAD no frequency). This variant has been observed in individual(s) with vascular Ehlers–danlos syndrome (PMID: 24922459, 34226255, 35984436; Invitae). ClinVar contains an entry for this variant (Variation ID: 101417). Algorithms developed to predict the effect of sequence changes on RNA splicing suggest that this variant may disrupt the consensus splice site. For these reasons, this variant has been classified as Pathogenic.

Collagen Diagnostic Laboratory, University of Washington
Classification: Pathogenic for Ehlers-Danlos syndrome, type 4. Review status: no assertion criteria provided. Collection method: clinical testing. Allele origin: germline. Affected: yes. Not counted in ClinVar's aggregate classification.

Literature cited by the submitters: PubMed 24922459 (cited by Labcorp Genetics (formerly Invitae), Labcorp); PubMed 34226255 (cited by Labcorp Genetics (formerly Invitae), Labcorp); PubMed 35984436 (cited by Labcorp Genetics (formerly Invitae), Labcorp).

NM_000090.4(COL3A1):c.3256-43T>G

Gene: COL3A1 (collagen type III alpha 1 chain; plus strand). Cytogenetic location: 2q32.2.
Variant type: single nucleotide variant.
Coding change: c.3256-43T>G on transcript NM_000090.4 (MANE Select); 43 bases into the intron before coding-DNA position 3256, T replaced by G.
Molecular consequence: intron variant.
Genome position (GRCh38, 1-based): chr2:189,007,457, T>G. VCF-style: chr2-189007457-T-G. GRCh37 (hg19) VCF-style: chr2-189872183-T-G.
Identifiers: ClinVar variation 101417 (VCV000101417.10), dbSNP rs587779667, ClinGen allele CA006243.